The following is an entry in ClinVar:

NM_014975.3(MAST1):c.2319C>T (p.Ile773=)

Genes: MAST1 (microtubule associated serine/threonine kinase 1; plus strand), LOC112543452 (Sharpr-MPRA regulatory region 6054; plus strand). Cytogenetic location: 19p13.13.
Variant type: single nucleotide variant.
Coding change: c.2319C>T on transcript NM_014975.3 (MANE Select); coding-DNA position 2319, C replaced by T.
Protein change: p.Ile773=; no amino-acid change (isoleucine 773 retained).
Molecular consequence: synonymous variant.
Genome position (GRCh38, 1-based): chr19:12,867,730, C>T. VCF-style: chr19-12867730-C-T. GRCh37 (hg19) VCF-style: chr19-12978544-C-T.
Identifiers: ClinVar variation 2911729 (VCV002911729.3), dbSNP rs773991868, ClinGen allele CA9233119.
Genomic context (GRCh38, chr19:12,867,730, plus strand): 5'-GGAGTTTGGGGGCGGGGTCGAAGGGGGCGTGTCTTCCATAACCACGCCCCCTCCATGCAG[C>T]AAGCGATTCTCCGCGTCCGAGGCCAGTTTCCTGGAGGGAGAGGCCAGTCCCCCTTTGGGC-3'
Protein context (NP_055790.1, residues 763-783): EKTWRGGSPE[Ile773=]KRFSASEASF

ClinVar aggregate classification (germline): Uncertain significance (1 of 4 stars; one submission).

Allele frequency attached by ClinVar (database versions not stated): gnomAD 0.00003; TOPMed 0.00004.
gnomAD v4.1: 46 of 1,531,280 alleles (0.003%); highest among the groups gnomAD compares: East Asian, 0.024%; no homozygotes.

Submission:

Labcorp Genetics (formerly Invitae), Labcorp
Classification: Uncertain significance. Last evaluated: 2024-12-19. Review status: criteria provided, single submitter. Criteria: Invitae Variant Classification Sherloc (09022015). Collection method: clinical testing. Allele origin: germline.
Comment: This sequence change affects codon 773 of the MAST1 mRNA. It is a 'silent' change, meaning that it does not change the encoded amino acid sequence of the MAST1 protein. It affects a nucleotide within the consensus splice site. This variant is present in population databases (rs773991868, gnomAD 0.03%). This variant has not been reported in the literature in individuals affected with MAST1-related conditions. ClinVar contains an entry for this variant (Variation ID: 2911729). Algorithms developed to predict the effect of sequence changes on RNA splicing suggest that this variant is not likely to affect RNA splicing. In summary, the available evidence is currently insufficient to determine the role of this variant in disease. Therefore, it has been classified as a Variant of Uncertain Significance.